The following is an entry in ClinVar:

NM_014334.4(FRRS1L):c.-33_-25del

Gene: FRRS1L (ferric chelate reductase 1 like; minus strand). Cytogenetic location: 9q31.3.
Variant type: Deletion.
Coding change: c.-33_-25del on transcript NM_014334.4 (MANE Select); 33 bases upstream of the start codon through 25 bases upstream of the start codon, 9 bases deleted (CGAGCGGCC; older notation c.-33_-25delCGAGCGGCC).
Molecular consequence: 5 prime UTR variant.
Genome position (GRCh38, 1-based): chr9:109,167,163-109,167,171, GGCCGCTCG deleted on the plus strand (CGAGCGGCC on the coding strand, the reverse complement: FRRS1L is on the minus strand); deleting any 9 consecutive bases within chr9:109,167,163-109,167,177 gives the same sequence; the c. name uses the placement nearest the transcript's 3' end. VCF-style (leftmost placement, unchanged base first): chr9-109167162-AGGCCGCTCG-A. GRCh37 (hg19) VCF-style: chr9-111929442-AGGCCGCTCG-A.
Identifiers: ClinVar variation 1023569 (VCV001023569.7), dbSNP rs1831566345, ClinGen allele CA1871457643.
Genomic context (GRCh38, chr9:109,167,162, plus strand): 5'-CCCAGACCCCCGGGTGCTGCCGGGGCGGCCGCGCCATCCGTGCGCACAGATCCCGCAGCC[AGGCCGCTCG>A]GGCCGCAGCGGGGGCGCCGCGGGCGCGGGCCGGGACTGAGCCTCCGCCGAGGCCACCAGC-3'

ClinVar aggregate classification (germline): Uncertain significance (1 of 4 stars; one submission).

Conditions:
Developmental and epileptic encephalopathy, 37 (DEE37). Also called: Epileptic encephalopathy, early infantile, 37. Identifiers: MedGen C4310770, MONDO:0014859, OMIM 616981.

Submission:

Labcorp Genetics (formerly Invitae), Labcorp
Classification: Uncertain significance for Developmental and epileptic encephalopathy, 37. Last evaluated: 2020-03-23. Review status: criteria provided, single submitter. Criteria: Invitae Variant Classification Sherloc (09022015). Collection method: clinical testing. Allele origin: germline.
Comment: In summary, the available evidence is currently insufficient to determine the role of this variant in disease. Therefore, it has been classified as a Variant of Uncertain Significance. Experimental studies and prediction algorithms are not available or were not evaluated, and the functional significance of this variant is currently unknown. This variant has not been reported in the literature in individuals with FRRS1L-related conditions. The frequency data for this variant in the population databases is considered unreliable, as metrics indicate insufficient coverage at this position in the ExAC database. This variant, c.121_129del, results in the deletion of 3 amino acid(s) of the FRRS1L protein (p.Arg41_Ala43del), but otherwise preserves the integrity of the reading frame.